The following is an entry in ClinVar:

ClinVar aggregate classification (germline): Pathogenic. Review status: criteria provided, multiple submitters, no conflicts (2 of 4 stars). 2 submissions from 2 submitters: Pathogenic (2). Last evaluated 2024-02-17.

Conditions:
GM1 gangliosidosis type 3. Also called: GM1-GANGLIOSIDOSIS, TYPE III; GANGLIOSIDOSIS, GENERALIZED GM1, ADULT TYPE; GANGLIOSIDOSIS, GENERALIZED GM1, CHRONIC TYPE; GANGLIOSIDOSIS, GENERALIZED GM1, TYPE III; Gangliosidosis, Generalized GM1, Type 3; Beta-galactosidase deficiency. Identifiers: Orphanet 79257, MedGen C0268273, MONDO:0009262, OMIM 230650.
GM1 gangliosidosis type 2. Also called: GM1-GANGLIOSIDOSIS, TYPE II; GANGLIOSIDOSIS, GENERALIZED GM1, JUVENILE TYPE; GANGLIOSIDOSIS, GENERALIZED GM1, TYPE II; Gangliosidosis, Generalized GM1, Type 2; Juvenile GM>1< gangliosidosis. Identifiers: Orphanet 354, Orphanet 79256, MedGen C0268272, MONDO:0009261, OMIM 230600.
Infantile GM1 gangliosidosis. Also called: GM1-gangliosidosis, type I; Gangliosidosis, generalized GM1, infantile form; GLB1 deficiency; GM1 gangliosidosis type 1; Gangliosidosis, Generalized GM1, Type 1. Identifiers: Orphanet 354, Orphanet 79255, MedGen C0268271, MONDO:0009260, OMIM 230500.
Mucopolysaccharidosis, MPS-IV-B (MPS4B). Also called: Mucopolysaccharidosis Type IVB (Morquio B Disease); Mucopolysaccharidosis type 4B; MORQUIO SYNDROME B; Mucopolysaccharidosis type IVB (Morquio); MPS IVB; Mucopolysaccharidosis type IV B. Identifiers: Orphanet 309310, Orphanet 582, MedGen C0086652, MONDO:0009660, OMIM 253010.

Allele frequency attached by ClinVar (database versions not stated): gnomAD exomes below 0.00001.

Submissions (2):

Fulgent Genetics
Classification: Pathogenic for Infantile GM1 gangliosidosis; GM1 gangliosidosis type 2; GM1 gangliosidosis type 3; Mucopolysaccharidosis, MPS-IV-B. Last evaluated: 2024-02-17. Review status: criteria provided, single submitter. Criteria: ACMG Guidelines, 2015. Collection method: clinical testing. Allele origin: germline.

Women's Health and Genetics/Laboratory Corporation of America, LabCorp
Classification: Pathogenic for Mucopolysaccharidosis, MPS-IV-B. Last evaluated: 2022-04-05. Review status: criteria provided, single submitter. Criteria: LabCorp Variant Classification Summary - May 2015. Collection method: clinical testing. Allele origin: germline.
Comment: Variant summary: GLB1 c.1598_1601dupGCCA (p.His534GlnfsX4) results in a premature termination codon, predicted to cause a truncation of the encoded protein or absence of the protein due to nonsense mediated decay, which are commonly known mechanisms for disease. Truncations downstream of this position have not been observed at our laboratory but are reported in the HGMD database. The variant allele was found at a frequency of 4e-06 in 248350 control chromosomes. c.1598_1601dupGCCA has been reported in the literature in at-least one individual affected with Mucopolysaccharidosis Type IVB (Morquio Syndrome B) (example, Hofer_2009). No clinical diagnostic laboratories have submitted clinical-significance assessments for this variant to ClinVar after 2014. Based on the evidence outlined above, the variant was classified as pathogenic.

Literature cited by the submitters: PubMed 19472408 (cited by Women's Health and Genetics/Laboratory Corporation of America, LabCorp).

NM_000404.4(GLB1):c.1598_1601dup (p.His534fs)

Gene: GLB1 (galactosidase beta 1; minus strand). Cytogenetic location: 3p22.3.
Variant type: Duplication.
Coding change: c.1598_1601dup on transcript NM_000404.4 (MANE Select); coding-DNA positions 1598 to 1601, 4 bases duplicated (GCCA; older notation c.1598_1601dupGCCA).
Protein change: p.His534fs; shifts the reading frame from histidine 534.
Molecular consequence: frameshift variant.
Genome position (GRCh38, 1-based): chr3:33,014,189-33,014,192, TGGC duplicated on the plus strand (GCCA on the coding strand, the reverse complement: GLB1 is on the minus strand). VCF-style (leftmost placement, unchanged base first): chr3-33014188-G-GTGGC. GRCh37 (hg19) VCF-style: chr3-33055680-G-GTGGC.
Other names: c.1508_1511dup, p.His504fs (NM_001079811.3); c.1205_1208dup, p.His403fs (NM_001135602.3); c.1742_1745dup, p.His582fs (NM_001317040.2); c.1598_1601dup, p.His534fs (NM_001393580.1); short protein forms H403fs, H504fs, H534fs, H582fs.
Identifiers: ClinVar variation 1683247 (VCV001683247.2), dbSNP rs1304277420, ClinGen allele CA542612826.